The following is an entry in ClinVar:

NM_003128.3(SPTBN1):c.2244G>C (p.Gln748His)

Gene: SPTBN1 (spectrin beta, non-erythrocytic 1; plus strand). Cytogenetic location: 2p16.2.
Variant type: single nucleotide variant.
Coding change: c.2244G>C on transcript NM_003128.3 (MANE Select); coding-DNA position 2244, G replaced by C.
Protein change: p.Gln748His; replaces glutamine 748 with histidine.
Molecular consequence: missense variant.
Genome position (GRCh38, 1-based): chr2:54,629,378, G>C. VCF-style: chr2-54629378-G-C. GRCh37 (hg19) VCF-style: chr2-54856515-G-C.
Other names: c.2205G>C, p.Gln735His (NM_178313.3); short protein forms Q735H, Q748H.
Identifiers: ClinVar variation 3368413 (VCV003368413.3).
Genomic context (GRCh38, chr2:54,629,378, plus strand): 5'-CCTAGAGCAGCTCTCGGCCATTCGGAAGAAGCGCCTGGAGGAGGCCTCCCTGCTGCACCA[G>C]TTCCAGGCAGATGCTGATGACATTGATGCCTGGATGCTGGACATCCTCAAGATTGTCTCC-3'
Protein context (NP_003119.2, residues 738-758): KRLEEASLLH[Gln748His]FQADADDIDA

ClinVar aggregate classification (germline): Uncertain significance. Review status: criteria provided, multiple submitters, no conflicts (2 of 4 stars). 2 submissions from 2 submitters: Uncertain significance (2). Last evaluated 2025-11-04.

Conditions:
Inborn genetic diseases. Identifiers: MedGen C0950123, MeSH D030342.

Submissions (2):

GeneDx
Classification: Uncertain significance. Last evaluated: 2025-11-04. Review status: criteria provided, single submitter. Criteria: GeneDx Variant Classification Process June 2021. Collection method: clinical testing. Allele origin: germline.
Comment: Not observed at significant frequency in large population cohorts (gnomAD); In silico analysis supports that this missense variant has a deleterious effect on protein structure/function; Has not been previously published as pathogenic or benign to our knowledge

Ambry Genetics
Classification: Uncertain significance for Inborn genetic diseases. Last evaluated: 2025-10-07. Review status: criteria provided, single submitter. Criteria: Ambry Variant Classification Scheme 2023. Collection method: clinical testing. Allele origin: germline.